The following is an entry in ClinVar:

NM_006469.5(IVNS1ABP):c.216C>T (p.His72=)

Gene: IVNS1ABP (influenza virus NS1A binding protein; minus strand). Cytogenetic location: 1q25.3.
Variant type: single nucleotide variant.
Coding change: c.216C>T on transcript NM_006469.5 (MANE Select); coding-DNA position 216, C replaced by T.
Protein change: p.His72=; no amino-acid change (histidine 72 retained).
Molecular consequence: synonymous variant.
Genome position (GRCh38, 1-based): chr1:185,309,068, G>A on the plus strand (C>T on the coding strand, the complement: IVNS1ABP is on the minus strand). VCF-style: chr1-185309068-G-A. GRCh37 (hg19) VCF-style: chr1-185278200-G-A.
Identifiers: ClinVar variation 2639644 (VCV002639644.24), dbSNP rs374781357, ClinGen allele CA1290666.

ClinVar aggregate classification (germline): Likely benign (1 of 4 stars; one submission).

Allele frequency attached by ClinVar (database versions not stated): ESP Exome Variant Server 0.00008; ExAC 0.00001; gnomAD 0.00001; gnomAD exomes 0.00001; TOPMed 0.00002.
gnomAD v4.1: 21 of 1,613,048 alleles (0.0013%); highest among the groups gnomAD compares: African/African-American, 0.0027%; no homozygotes.

Submission:

CeGaT Center for Human Genetics Tuebingen
Classification: Likely benign. Last evaluated: 2023-02-01. Review status: criteria provided, single submitter. Criteria: CeGaT Center For Human Genetics Tuebingen Variant Classification Criteria Version 2. Collection method: clinical testing. Allele origin: germline. Affected: yes. Observed: 1 variant allele.
Comment: IVNS1ABP: BP4, BP7